The following is an entry in ClinVar:

ClinVar aggregate classification (germline): Likely benign (1 of 4 stars; one submission).

Conditions:
Pheochromocytoma/paraganglioma syndrome 5. Also called: Paragangliomas 5; SDHA-Related Hereditary Paraganglioma-Pheochromocytoma Syndrome. Identifiers: Orphanet 29072, MedGen C3279992, MONDO:0013602, OMIM 614165.

Submission:

Myriad Genetics, Inc.
Classification: Likely benign for Pheochromocytoma/paraganglioma syndrome 5. Last evaluated: 2025-03-03. Review status: criteria provided, single submitter. Criteria: Myriad Autosomal Dominant, Autosomal Recessive and X-Linked Classification Criteria (2023). Collection method: clinical testing. Allele origin: unknown.
Comment: This variant is considered likely benign. This variant is intronic and is not expected to impact mRNA splicing.

NM_004168.4(SDHA):c.896-17T>C

Gene: SDHA (succinate dehydrogenase complex flavoprotein subunit A; plus strand). Cytogenetic location: 5p15.33.
Variant type: single nucleotide variant.
Coding change: c.896-17T>C on transcript NM_004168.4 (MANE Select); 17 bases into the intron before coding-DNA position 896, T replaced by C.
Molecular consequence: intron variant.
Genome position (GRCh38, 1-based): chr5:233,460, T>C. VCF-style: chr5-233460-T-C. GRCh37 (hg19) VCF-style: chr5-233575-T-C.
Other names: c.896-17T>C (NM_001330758.2); c.752-17T>C (NM_001294332.2).
Identifiers: ClinVar variation 3904444 (VCV003904444.1).